The following is an entry in ClinVar:

NM_019616.4(F7):c.1311CCT[1] (p.Leu439del)

Gene: F7 (coagulation factor VII; plus strand). Cytogenetic location: 13q34.
Variant type: Microsatellite.
Coding change: c.1311CCT[1] on transcript NM_019616.4 (MANE Select); one copy of the 3-base unit CCT starting at c.1311; the reference has two copies in a row; one copy, 3 bases deleted; also written c.1314_1316del.
Protein change: p.Leu439del; deletes leucine 439.
Molecular consequence: inframe deletion. On other transcripts: non-coding transcript variant (1).
Genome position (GRCh38, 1-based): chr13:113,118,987-113,118,989, CCT deleted; deleting any 3 consecutive bases within chr13:113,118,983-113,118,989 gives the same sequence; the position shown is the placement nearest the transcript's 3' end. VCF-style (leftmost placement, unchanged base first): chr13-113118982-GTCC-G. GRCh37 (hg19) VCF-style: chr13-113773296-GTCC-G.
Other names: c.1377CCT[1], p.Leu461del (NM_000131.5); c.1125CCT[1], p.Leu377del (NM_001267554.2); c.1314_1316del (NM_019616.4); short protein forms L377del, L439del, L461del.
Identifiers: ClinVar variation 4294040 (VCV004294040.1).

ClinVar aggregate classification (germline): Uncertain significance (1 of 4 stars; one submission).

Conditions:
Congenital factor VII deficiency. Identifiers: Orphanet 327, MedGen C0272320, MONDO:0009211, OMIM 227500.

Submission:

3billion
Classification: Uncertain significance for Congenital factor VII deficiency. Last evaluated: 2025-01-17. Review status: criteria provided, single submitter. Criteria: ACMG Guidelines, 2015. Collection method: clinical testing. Allele origin: germline. Affected: yes.
Comment: The variant is not observed in the gnomAD v4.1.0 dataset. Predicted Consequence/Location: Inframe deletion located in a nonrepeat region: predicted to change the length of the protein and disrupt normal protein function. Therefore, this variant is classified as VUS according to the recommendation of ACMG/AMP guideline.